The following is an entry in ClinVar:

ClinVar aggregate classification (germline): Uncertain significance. Review status: criteria provided, multiple submitters, no conflicts (2 of 4 stars). 2 submissions from 2 submitters: Uncertain significance (2). Last evaluated 2025-09-22.

Conditions:
Severe combined immunodeficiency due to LCK deficiency. Also called: Immunodeficiency 22. Identifiers: Orphanet 280142, MedGen C4014233, MONDO:0014334, OMIM 615758.

gnomAD v4.1: 13 of 1,571,776 alleles (0.00083%); highest among the groups gnomAD compares: Non-Finnish European, 0.0011%; no homozygotes.

Submissions (2):

Ambry Genetics
Classification: Uncertain significance. Last evaluated: 2025-09-22. Review status: criteria provided, single submitter. Criteria: Ambry Variant Classification Scheme 2023. Collection method: clinical testing. Allele origin: germline.

Labcorp Genetics (formerly Invitae), Labcorp
Classification: Uncertain significance for Severe combined immunodeficiency due to LCK deficiency. Last evaluated: 2022-07-30. Review status: criteria provided, single submitter. Criteria: Invitae Variant Classification Sherloc (09022015). Collection method: clinical testing. Allele origin: germline.
Comment: This sequence change replaces leucine, which is neutral and non-polar, with arginine, which is basic and polar, at codon 132 of the LCK protein (p.Leu132Arg). This variant is not present in population databases (gnomAD no frequency). This variant has not been reported in the literature in individuals affected with LCK-related conditions. Algorithms developed to predict the effect of missense changes on protein structure and function are either unavailable or do not agree on the potential impact of this missense change (SIFT: "Deleterious"; PolyPhen-2: "Probably Damaging"; Align-GVGD: "Class C0"). In summary, the available evidence is currently insufficient to determine the role of this variant in disease. Therefore, it has been classified as a Variant of Uncertain Significance.

NM_005356.5(LCK):c.395T>G (p.Leu132Arg)

Gene: LCK (LCK proto-oncogene, Src family tyrosine kinase; plus strand). Cytogenetic location: 1p35.2.
Variant type: single nucleotide variant.
Coding change: c.395T>G on transcript NM_005356.5 (MANE Select); coding-DNA position 395, T replaced by G.
Protein change: p.Leu132Arg; replaces leucine 132 with arginine.
Molecular consequence: missense variant.
Genome position (GRCh38, 1-based): chr1:32,275,586, T>G. VCF-style: chr1-32275586-T-G. GRCh37 (hg19) VCF-style: chr1-32741187-T-G.
Other names: c.395T>G, p.Leu132Arg (NM_001042771.3, NM_001330468.2); c.395T>G (NM_005356.3); short protein forms L132R.
Identifiers: ClinVar variation 1953319 (VCV001953319.3), dbSNP rs1368225574, ClinGen allele CA339637122.